The following is an entry in ClinVar:

NM_001358530.2(MOCS1):c.1413C>T (p.Ala471=)

Gene: MOCS1 (molybdenum cofactor synthesis 1; minus strand). Cytogenetic location: 6p21.2.
Variant type: single nucleotide variant.
Coding change: c.1413C>T on transcript NM_001358530.2 (MANE Select); coding-DNA position 1413, C replaced by T.
Protein change: p.Ala471=; no amino-acid change (alanine 471 retained).
Molecular consequence: synonymous variant. On other transcripts: 3 prime UTR variant (4), non-coding transcript variant (1).
Genome position (GRCh38, 1-based): chr6:39,906,855, G>A on the plus strand (C>T on the coding strand, the complement: MOCS1 is on the minus strand). VCF-style: chr6-39906855-G-A. GRCh37 (hg19) VCF-style: chr6-39874631-G-A.
Other names: c.1413C>T (NM_001358530.1); c.*270C>T (NM_001075098.4, NM_001358533.2, NM_001358534.2 and 1 more transcripts); c.1365C>T, p.Ala455= (NM_001358529.2); c.1152C>T, p.Ala384= (NM_001358531.2).
Identifiers: ClinVar variation 356646 (VCV000356646.38), dbSNP rs745789021, ClinGen allele CA3795952.

ClinVar aggregate classification (germline): Conflicting classifications of pathogenicity. Review status: criteria provided, conflicting classifications (1 of 4 stars). 5 submissions from 5 submitters: Uncertain significance (1); Likely benign (4). Last evaluated 2026-01-16.

Conditions:
MOCS1-related disorder. Also called: MOCS1-related condition.
Sulfite oxidase deficiency due to molybdenum cofactor deficiency type A. Also called: Molybdenum Cofactor Deficiency A; Molybdenum cofactor deficiency, complementation group A. Identifiers: Orphanet 308386, Orphanet 833, MedGen C1854988, MONDO:0009643, OMIM 252150.

Allele frequency attached by ClinVar (database versions not stated): gnomAD exomes 0.00010 and 0.00011; ExAC 0.00011; gnomAD 0.00012; TOPMed 0.00015.
gnomAD v4.1: 176 of 1,614,078 alleles (0.011%); highest among the groups gnomAD compares: Middle Eastern, 0.016%; 1 homozygote.

Submissions (5):

Labcorp Genetics (formerly Invitae), Labcorp
Classification: Likely benign for Sulfite oxidase deficiency due to molybdenum cofactor deficiency type A. Last evaluated: 2026-01-16. Review status: criteria provided, single submitter. Criteria: Invitae Variant Classification Sherloc (09022015). Collection method: clinical testing. Allele origin: germline.

Blueprint Genetics
Classification: Likely benign. Last evaluated: 2024-11-07. Review status: criteria provided, single submitter. Criteria: ACMG Guidelines, 2015. Collection method: clinical testing. Allele origin: germline.

PreventionGenetics, part of Exact Sciences
Classification: Likely benign for MOCS1-related condition. Last evaluated: 2024-10-03. Review status: criteria provided, single submitter. Criteria: ACMG Guidelines, 2015. Collection method: clinical testing. Allele origin: germline.
Comment: This variant is classified as likely benign based on ACMG/AMP sequence variant interpretation guidelines (Richards et al. 2015 PMID: 25741868, with internal and published modifications).

CeGaT Center for Human Genetics Tuebingen
Classification: Likely benign. Last evaluated: 2024-08-01. Review status: criteria provided, single submitter. Criteria: CeGaT Center For Human Genetics Tuebingen Variant Classification Criteria Version 2. Collection method: clinical testing. Allele origin: germline. Affected: yes. Observed: 2 variant alleles.
Comment: MOCS1: BP4, BP7

Illumina Laboratory Services, Illumina
Classification: Uncertain significance for Sulfite oxidase deficiency due to molybdenum cofactor deficiency type A. Last evaluated: 2018-01-13. Review status: criteria provided, single submitter. Criteria: ICSL Variant Classification Criteria 13 December 2019. Collection method: clinical testing. Allele origin: germline.